The following is an entry in ClinVar:

ClinVar aggregate classification (germline): Uncertain significance (1 of 4 stars; one submission).

gnomAD v4.1: 3 of 1,610,860 alleles (0.00019%); highest among the groups gnomAD compares: Non-Finnish European, 0.00025%; no homozygotes.

Submission:

Labcorp Genetics (formerly Invitae), Labcorp
Classification: Uncertain significance. Last evaluated: 2025-10-23. Review status: criteria provided, single submitter. Criteria: Invitae Variant Classification Sherloc (09022015). Collection method: clinical testing. Allele origin: germline.
Comment: This sequence change creates a premature translational stop signal (p.Arg85*) in the TNNI3K gene. It is expected to result in an absent or disrupted protein product. However, the current clinical and genetic evidence is not sufficient to establish whether loss-of-function variants in TNNI3K cause disease. This variant is present in population databases (rs752068095, gnomAD 0.0009%). This variant has not been reported in the literature in individuals affected with TNNI3K-related conditions. ClinVar contains an entry for this variant (Variation ID: 1898976). In summary, the available evidence is currently insufficient to determine the role of this variant in disease. Therefore, it has been classified as a Variant of Uncertain Significance.

NM_015978.3(TNNI3K):c.253C>T (p.Arg85Ter)

Genes: FPGT-TNNI3K (FPGT-TNNI3K readthrough; plus strand), TNNI3K (TNNI3 interacting kinase; plus strand). Cytogenetic location: 1p31.1.
Variant type: single nucleotide variant.
Coding change: c.253C>T on transcript NM_015978.3 (MANE Select); coding-DNA position 253, C replaced by T.
Protein change: p.Arg85Ter; replaces arginine 85 with a stop codon.
Molecular consequence: nonsense.
Genome position (GRCh38, 1-based): chr1:74,250,689, C>T. VCF-style: chr1-74250689-C-T. GRCh37 (hg19) VCF-style: chr1-74716373-C-T.
Other names: c.556C>T, p.Arg186Ter (NM_001112808.3, NM_001199327.2); short protein forms R186*, R85*.
Identifiers: ClinVar variation 1898976 (VCV001898976.5), dbSNP rs752068095, ClinGen allele CA908837.